The following is an entry in ClinVar:

NM_001191057.4(PDE1C):c.1774T>G (p.Ser592Ala)

Gene: PDE1C (phosphodiesterase 1C; minus strand). Cytogenetic location: 7p14.3.
Variant type: single nucleotide variant.
Coding change: c.1774T>G on transcript NM_001191057.4 (MANE Select); coding-DNA position 1774, T replaced by G.
Protein change: p.Ser592Ala; replaces serine 592 with alanine.
Molecular consequence: missense variant.
Genome position (GRCh38, 1-based): chr7:31,815,963, A>C on the plus strand (T>G on the coding strand, the complement: PDE1C is on the minus strand). VCF-style: chr7-31815963-A-C. GRCh37 (hg19) VCF-style: chr7-31855577-A-C.
Other names: c.1954T>G (NM_001191058.3); c.1954T>G, p.Ser652Ala (NM_001191058.4, NM_001322058.2); c.1774T>G, p.Ser592Ala (NM_001191059.4, NM_001322055.2, NM_001322056.2 and 3 more transcripts); c.2179T>G, p.Ser727Ala (NM_001322059.2); short protein forms S592A, S652A, S727A.
Identifiers: ClinVar variation 2657379 (VCV002657379.25), dbSNP rs2230175, ClinGen allele CA4210816.

ClinVar aggregate classification (germline): Likely benign. Review status: criteria provided, single submitter (1 of 4 stars). 2 submissions from 2 submitters: Likely benign (1). 1 of the submissions does not count toward it. Last evaluated 2026-07-01.

Conditions:
PDE1C-related disorder. Also called: PDE1C-related condition.

Allele frequency attached by ClinVar (database versions not stated): 1000 Genomes Project 0.00140; 1000 Genomes Project 30x 0.00141; ExAC 0.00386; TOPMed 0.00416; gnomAD 0.00439; gnomAD exomes 0.00529.
gnomAD v4.1: 8,397 of 1,613,802 alleles (0.52%); highest among the groups gnomAD compares: Non-Finnish European, 0.61%; 41 homozygotes.

Submissions (2):

CeGaT Center for Human Genetics Tuebingen
Classification: Likely benign. Last evaluated: 2026-07-01. Review status: criteria provided, single submitter. Criteria: CeGaT Center For Human Genetics Tuebingen Variant Classification Criteria Version 2. Collection method: clinical testing. Allele origin: germline. Affected: yes. Observed: 2 variant alleles.
Comment: PDE1C: BP4, BS2

PreventionGenetics, part of Exact Sciences
Classification: Benign for PDE1C-related condition. Last evaluated: 2019-11-25. Review status: no assertion criteria provided. Collection method: clinical testing. Allele origin: germline. Not counted in ClinVar's aggregate classification.
Comment: This variant is classified as benign based on ACMG/AMP sequence variant interpretation guidelines (Richards et al. 2015 PMID: 25741868, with internal and published modifications).